The following is an entry in ClinVar:

ClinVar aggregate classification (germline): Uncertain significance (1 of 4 stars; one submission).

Conditions:
Inborn genetic diseases. Identifiers: MedGen C0950123, MeSH D030342.

Submission:

Ambry Genetics
Classification: Uncertain significance for Inborn genetic diseases. Last evaluated: 2025-04-18. Review status: criteria provided, single submitter. Criteria: Ambry Variant Classification Scheme 2023. Collection method: clinical testing. Allele origin: germline.
Comment: The p.P383R variant (also known as c.1148C>G), located in coding exon 5 of the SH2B3 gene, results from a C to G substitution at nucleotide position 1148. The proline at codon 383 is replaced by arginine, an amino acid with dissimilar properties. This amino acid position is conserved. In addition, the in silico prediction for this alteration is inconclusive. Based on the available evidence, the clinical significance of this variant remains unclear.

NM_005475.3(SH2B3):c.1148C>G (p.Pro383Arg)

Gene: SH2B3 (SH2B adaptor protein 3; plus strand). Cytogenetic location: 12q24.12.
Variant type: single nucleotide variant.
Coding change: c.1148C>G on transcript NM_005475.3 (MANE Select); coding-DNA position 1148, C replaced by G.
Protein change: p.Pro383Arg; replaces proline 383 with arginine.
Molecular consequence: missense variant.
Genome position (GRCh38, 1-based): chr12:111,447,456, C>G. VCF-style: chr12-111447456-C-G. GRCh37 (hg19) VCF-style: chr12-111885260-C-G.
Other names: c.542C>G, p.Pro181Arg (NM_001291424.1); short protein forms P383R, P181R.
Identifiers: ClinVar variation 3953463 (VCV003953463.1).